The following is an entry in ClinVar:

ClinVar aggregate classification (germline): Likely benign. Review status: criteria provided, multiple submitters, no conflicts (2 of 4 stars). 2 submissions from 2 submitters: Likely benign (2). Last evaluated 2025-08-13.

Allele frequency attached by ClinVar (database versions not stated): ExAC 0.00152; 1000 Genomes Project 0.00419; 1000 Genomes Project 30x 0.00718.

Submissions (2):

Ambry Genetics
Classification: Likely benign. Last evaluated: 2025-08-13. Review status: criteria provided, single submitter. Criteria: Ambry Variant Classification Scheme 2023. Collection method: clinical testing. Allele origin: germline.

CeGaT Center for Human Genetics Tuebingen
Classification: Likely benign. Last evaluated: 2024-10-01. Review status: criteria provided, single submitter. Criteria: CeGaT Center For Human Genetics Tuebingen Variant Classification Criteria Version 2. Collection method: clinical testing. Allele origin: germline. Affected: yes. Observed: 3 variant alleles.
Comment: MUC5B: BP4, BS1

NM_002458.3(MUC5B):c.9926C>T (p.Pro3309Leu)

Genes: MUC5B (mucin 5B, oligomeric mucus/gel-forming; plus strand), MUC5B-AS1 (MUC5B antisense RNA 1; minus strand). Cytogenetic location: 11p15.5.
Variant type: single nucleotide variant.
Coding change: c.9926C>T on transcript NM_002458.3 (MANE Select); coding-DNA position 9926, C replaced by T.
Protein change: p.Pro3309Leu; replaces proline 3309 with leucine.
Molecular consequence: missense variant.
Genome position (GRCh38, 1-based): chr11:1,246,806, C>T. VCF-style: chr11-1246806-C-T. GRCh37 (hg19) VCF-style: chr11-1268036-C-T.
Other names: c.9926C>T (NM_002458.2); short protein forms P3309L.
Identifiers: ClinVar variation 2641260 (VCV002641260.25), dbSNP rs201585967, ClinGen allele CA5807181.